The following is an entry in ClinVar:

ClinVar aggregate classification (germline): Uncertain significance (1 of 4 stars; one submission).

Submission:

Labcorp Genetics (formerly Invitae), Labcorp
Classification: Uncertain significance. Last evaluated: 2021-08-27. Review status: criteria provided, single submitter. Criteria: Invitae Variant Classification Sherloc (09022015). Collection method: clinical testing. Allele origin: germline.
Comment: This sequence change replaces arginine with glycine at codon 107 of the TTPA protein (p.Arg107Gly). The arginine residue is highly conserved and there is a moderate physicochemical difference between arginine and glycine. This variant is not present in population databases (ExAC no frequency). This variant has not been reported in the literature in individuals affected with TTPA-related conditions. Algorithms developed to predict the effect of missense changes on protein structure and function are either unavailable or do not agree on the potential impact of this missense change (SIFT: "Deleterious"; PolyPhen-2: "Possibly Damaging"; Align-GVGD: "Class C0"). In summary, the available evidence is currently insufficient to determine the role of this variant in disease. Therefore, it has been classified as a Variant of Uncertain Significance.

NM_000370.3(TTPA):c.319A>G (p.Arg107Gly)

Gene: TTPA (alpha tocopherol transfer protein; minus strand). Cytogenetic location: 8q12.3.
Variant type: single nucleotide variant.
Coding change: c.319A>G on transcript NM_000370.3 (MANE Select); coding-DNA position 319, A replaced by G.
Protein change: p.Arg107Gly; replaces arginine 107 with glycine.
Molecular consequence: missense variant.
Genome position (GRCh38, 1-based): chr8:63,072,974, T>C on the plus strand (A>G on the coding strand, the complement: TTPA is on the minus strand). VCF-style: chr8-63072974-T-C. GRCh37 (hg19) VCF-style: chr8-63985533-T-C.
Other names: short protein forms R107G.
Identifiers: ClinVar variation 1437383 (VCV001437383.5), dbSNP rs2129762619, ClinGen allele CA371333733.